The following is an entry in ClinVar:

NM_152641.4(ARID2):c.2970G>A (p.Ser990=)

Gene: ARID2 (AT-rich interaction domain 2; plus strand). Cytogenetic location: 12q12.
Variant type: single nucleotide variant.
Coding change: c.2970G>A on transcript NM_152641.4 (MANE Select); coding-DNA position 2970, G replaced by A.
Protein change: p.Ser990=; no amino-acid change (serine 990 retained).
Molecular consequence: synonymous variant.
Genome position (GRCh38, 1-based): chr12:45,851,093, G>A. VCF-style: chr12-45851093-G-A. GRCh37 (hg19) VCF-style: chr12-46244876-G-A.
Other names: c.2970G>A, p.Ser990= (NM_001347839.2).
Identifiers: ClinVar variation 746311 (VCV000746311.6), dbSNP rs78234941, ClinGen allele CA6526405.

ClinVar aggregate classification (germline): Likely benign. Review status: criteria provided, multiple submitters, no conflicts (2 of 4 stars). 3 submissions from 3 submitters: Likely benign (3). Last evaluated 2026-07-01.

Allele frequency attached by ClinVar (database versions not stated): ESP Exome Variant Server 0.00008; ExAC 0.00013; gnomAD exomes 0.00017 and 0.00020; gnomAD 0.00021 and 0.00022; TOPMed 0.00026; 1000 Genomes Project 0.00040; 1000 Genomes Project 30x 0.00047.
gnomAD v4.1: 321 of 1,613,960 alleles (0.02%); highest among the groups gnomAD compares: Admixed American, 0.048%; 1 homozygote.

Submissions (3):

CeGaT Center for Human Genetics Tuebingen
Classification: Likely benign. Last evaluated: 2026-07-01. Review status: criteria provided, single submitter. Criteria: CeGaT Center For Human Genetics Tuebingen Variant Classification Criteria Version 2. Collection method: clinical testing. Allele origin: germline. Affected: yes. Observed: 1 variant allele.
Comment: ARID2: BP4, BP7

Labcorp Genetics (formerly Invitae), Labcorp
Classification: Likely benign. Last evaluated: 2019-12-31. Review status: criteria provided, single submitter. Criteria: Invitae Variant Classification Sherloc (09022015). Collection method: clinical testing. Allele origin: germline.

Breakthrough Genomics
Classification: Likely benign. Review status: criteria provided, single submitter. Criteria: ACMG Guidelines, 2015. Collection method: not provided. Allele origin: germline. Inheritance: Autosomal dominant inheritance. Affected: yes.